The following is an entry in ClinVar:

NM_000091.5(COL4A3):c.2926G>A (p.Gly976Arg)

Genes: COL4A3 (collagen type IV alpha 3 chain; plus strand), MFF-DT (MFF divergent transcript; minus strand). Cytogenetic location: 2q36.3.
Variant type: single nucleotide variant.
Coding change: c.2926G>A on transcript NM_000091.5 (MANE Select); coding-DNA position 2926, G replaced by A.
Protein change: p.Gly976Arg; replaces glycine 976 with arginine.
Molecular consequence: missense variant.
Genome position (GRCh38, 1-based): chr2:227,289,194, G>A. VCF-style: chr2-227289194-G-A. GRCh37 (hg19) VCF-style: chr2-228153910-G-A.
Other names: short protein forms G976R.
Identifiers: ClinVar variation 4817236 (VCV004817236.1).

ClinVar aggregate classification (germline): Likely pathogenic (1 of 4 stars; one submission).

Conditions:
Alport syndrome. Also called: Hemorrhagic familial nephritis; Hemorrhagic hereditary nephritis; Congenital hereditary hematuria. Identifiers: Orphanet 63, MedGen C1567741, MONDO:0018965.

gnomAD v4.1: 2 of 1,613,898 alleles (0.00012%); highest among the groups gnomAD compares: Non-Finnish European, 0.00017%; no homozygotes.

Submission:

Natera, Inc.
Classification: Likely pathogenic for Alport syndrome. Last evaluated: 2025-08-26. Review status: criteria provided, single submitter. Criteria: Natera Variant Classification Schema (03/2026). Collection method: clinical testing. Allele origin: germline.
Comment: The c.2926G>A variant in COL4A3 is a missense variant predicted to cause substitution of glycine to arginine at amino acid 976. This variant is rare in the general population with a frequency below the threshold expected for the associated phenotype(s). This variant is located in a functionally critical region of the protein. Computational prediction algorithms indicate this variant is likely to affect gene or protein function. Given the available evidence, this variant is classified as Likely Pathogenic.